The following is an entry in ClinVar:

ClinVar aggregate classification (germline): Conflicting classifications of pathogenicity. Review status: criteria provided, conflicting classifications (1 of 4 stars). 7 submissions from 7 submitters: Pathogenic (1); Likely pathogenic (4); Uncertain significance (1). 1 of the submissions does not count toward it. Last evaluated 2025-08-25.

Conditions:
Niemann-Pick disease, type C1. Also called: NEUROVISCERAL STORAGE DISEASE WITH VERTICAL SUPRANUCLEAR OPHTHALMOPLEGIA; NIEMANN-PICK DISEASE WITH CHOLESTEROL ESTERIFICATION BLOCK; NIEMANN-PICK DISEASE WITHOUT SPHINGOMYELINASE DEFICIENCY; NIEMANN-PICK DISEASE, CHRONIC NEURONOPATHIC FORM; NIEMANN-PICK DISEASE, VARIANT TYPE C1. Identifiers: Orphanet 646, MedGen C3179455, MONDO:0009757, OMIM 257220.

Submissions (7):

Myriad Genetics, Inc.
Classification: Likely pathogenic for Niemann-Pick disease, type C1. Last evaluated: 2025-08-25. Review status: criteria provided, single submitter. Criteria: Myriad Autosomal Dominant, Autosomal Recessive and X-Linked Classification Criteria (2023). Collection method: clinical testing. Allele origin: unknown.
Comment: NM_000271.4(NPC1):c.2366G>A(R789H) is a missense variant classified as likely pathogenic in the context of Niemann-Pick disease type C1. R789H has been observed in cases with relevant disease (PMID: 24915861, 29429782, 38131230). Relevant functional assessments of this variant are not available in the literature. R789H has not been observed in referenced population frequency databases. In summary, NM_000271.4(NPC1):c.2366G>A(R789H) is a missense variant that has been observed more frequently in cases with the relevant disease than in healthy populations. Please note: this variant was assessed in the context of healthy population screening.

Labcorp Genetics (formerly Invitae), Labcorp
Classification: Pathogenic for Niemann-Pick disease, type C1. Last evaluated: 2025-07-28. Review status: criteria provided, single submitter. Criteria: Invitae Variant Classification Sherloc (09022015). Collection method: clinical testing. Allele origin: germline.
Comment: This sequence change replaces arginine, which is basic and polar, with histidine, which is basic and polar, at codon 789 of the NPC1 protein (p.Arg789His). This variant is not present in population databases (gnomAD no frequency). This missense change has been observed in individual(s) with Niemann-Pick disease type C (PMID: 24915861, 29429782). In at least one individual the data is consistent with being in trans (on the opposite chromosome) from a pathogenic variant. ClinVar contains an entry for this variant (Variation ID: 132898). Invitae Evidence Modeling of protein sequence and biophysical properties (such as structural, functional, and spatial information, amino acid conservation, physicochemical variation, residue mobility, and thermodynamic stability) indicates that this missense variant is expected to disrupt NPC1 protein function with a positive predictive value of 95%. This variant disrupts the p.Arg789 amino acid residue in NPC1. Other variant(s) that disrupt this residue have been observed in individuals with NPC1-related conditions (PMID: 11349231), which suggests that this may be a clinically significant amino acid residue. For these reasons, this variant has been classified as Pathogenic.

Natera, Inc.
Classification: Likely pathogenic for Niemann-Pick disease type C1. Last evaluated: 2025-07-11. Review status: criteria provided, single submitter. Criteria: Natera Variant Classification Schema (03/2026). Collection method: clinical testing. Allele origin: germline.
Comment: The c.2366G>A variant in NPC1 is a missense variant predicted to cause substitution of arginine to histidine at amino acid 789. This variant is rare in the general population with a frequency below the threshold expected for the associated phenotype(s). This variant has been observed in one or more individuals affected with the associated recessive disease, as either homozygous or compound heterozygous with a second variant (PMID: 38131230, 29429782, 24915861). Computational prediction algorithms indicate this variant is likely to affect gene or protein function. Given the available evidence, this variant is classified as Likely Pathogenic.

Women's Health and Genetics/Laboratory Corporation of America, LabCorp
Classification: Uncertain significance. Last evaluated: 2023-04-26. Review status: criteria provided, single submitter. Criteria: LabCorp Variant Classification Summary - May 2015. Collection method: clinical testing. Allele origin: germline.
Comment: Variant summary: NPC1 c.2366G>A (p.Arg789His) results in a non-conservative amino acid change located in the Sterol-sensing domain (IPR000731) of the encoded protein sequence. Five of five in-silico tools predict a damaging effect of the variant on protein function. The variant was absent in 251460 control chromosomes (gnomAD). c.2366G>A has been reported in the literature in individuals affected with Niemann-Pick Disease Type C (example: Berry Kravis_2018 and Zhang_2014). Other variants affecting the same amino acid residue is associated with Niemann-Pick disease, type C and is classified pathogenic/likely pathogenic in ClinVar (CV ID: 1326279, 554973). These data indicate that the variant may be associated with disease. To our knowledge, no experimental evidence demonstrating an impact on protein function has been reported. The following publications have been ascertained in the context of this evaluation (PMID: 29429782, 24915861). Two clinical diagnostic laboratories have submitted clinical-significance assessments for this variant to ClinVar after 2014 and classified the variant as likely pathogenic. Based on the evidence outlined above, the variant was classified as VUS-possibly pathogenic.

Centre for Mendelian Genomics, University Medical Centre Ljubljana
Classification: Likely pathogenic for Niemann-Pick disease, type C1. Last evaluated: 2019-10-01. Review status: criteria provided, single submitter. Criteria: ACMG Guidelines, 2015. Collection method: clinical testing. Allele origin: unknown. Affected: yes.
Comment: This variant was classified as: Likely pathogenic. The following ACMG criteria were applied in classifying this variant: PM2,PM3,PP3,PP5.

Juno Genomics, Hangzhou Juno Genomics, Inc
Classification: Likely pathogenic for Niemann-Pick disease, type C1. Review status: criteria provided, single submitter. Criteria: ACMG Guidelines, 2015. Collection method: clinical testing. Allele origin: germline.
Comment: Absent from controls (or at extremely low frequency if recessive) in Genome Aggregation Database.;For recessive disorders, detected in trans with a pathogenic variant.;Multiple lines of computational evidence support a deleterious effect on the gene or gene product.

Shanghain Institute for Pediatric Research
Classification: Pathogenic for Niemann-Pick disease type C1. Review status: no assertion criteria provided. Collection method: not provided. Allele origin: germline. Not counted in ClinVar's aggregate classification.
ClinVar note: Converted during submission from pathogenic to Pathogenic.

Literature cited by the submitters: PubMed 24915861 (cited by 4 submitters); PubMed 29429782 (cited by 4 submitters); PubMed 38131230 (cited by Myriad Genetics, Inc. and Natera, Inc.); PubMed 11349231 (cited by Labcorp Genetics (formerly Invitae), Labcorp).

NM_000271.5(NPC1):c.2366G>A (p.Arg789His)

Gene: NPC1 (NPC intracellular cholesterol transporter 1; minus strand). Cytogenetic location: 18q11.2.
Variant type: single nucleotide variant.
Coding change: c.2366G>A on transcript NM_000271.5 (MANE Select); coding-DNA position 2366, G replaced by A.
Protein change: p.Arg789His; replaces arginine 789 with histidine.
Molecular consequence: missense variant.
Genome position (GRCh38, 1-based): chr18:23,541,313, C>T on the plus strand (G>A on the coding strand, the complement: NPC1 is on the minus strand). VCF-style: chr18-23541313-C-T. GRCh37 (hg19) VCF-style: chr18-21121277-C-T.
Other names: short protein forms R789H.
Identifiers: ClinVar variation 132898 (VCV000132898.16), dbSNP rs483352891, ClinGen allele CA269831.